The following is an entry in ClinVar:

NM_004646.4(NPHS1):c.673G>C (p.Glu225Gln)

Gene: NPHS1 (NPHS1 adhesion molecule, nephrin; minus strand). Cytogenetic location: 19q13.12.
Variant type: single nucleotide variant.
Coding change: c.673G>C on transcript NM_004646.4 (MANE Select); coding-DNA position 673, G replaced by C.
Protein change: p.Glu225Gln; replaces glutamic acid 225 with glutamine.
Molecular consequence: missense variant.
Genome position (GRCh38, 1-based): chr19:35,849,589, C>G on the plus strand (G>C on the coding strand, the complement: NPHS1 is on the minus strand). VCF-style: chr19-35849589-C-G. GRCh37 (hg19) VCF-style: chr19-36340491-C-G.
Other names: short protein forms E225Q.
Identifiers: ClinVar variation 1804556 (VCV001804556.1), dbSNP rs2513779933, ClinGen allele CA405408134.

ClinVar aggregate classification (germline): Uncertain significance (1 of 4 stars; one submission).

Submission:

GeneDx
Classification: Uncertain significance. Last evaluated: 2022-06-16. Review status: criteria provided, single submitter. Criteria: GeneDx Variant Classification Process June 2021. Collection method: clinical testing. Allele origin: germline. Affected: yes.
Comment: Not observed at significant frequency in large population cohorts (gnomAD); In silico analysis supports that this missense variant does not alter protein structure/function; Has not been previously published as pathogenic or benign to our knowledge